The following is an entry in ClinVar:

ClinVar aggregate classification (germline): Pathogenic. Review status: reviewed by expert panel (3 of 4 stars). 5 submissions from 5 submitters: Pathogenic (1). 4 of the submissions do not count toward it. Last evaluated 2026-06-24.

Conditions:
Maturity-onset diabetes of the young type 1. Also called: HNF4A-Related Maturity-Onset Diabetes of the Young Type 1; MILD JUVENILE DIABETES MELLITUS; MODY type 1; Diabetes mellitus MODY type 1; MODY HNF4A related; MODY, type I. Identifiers: Orphanet 552, MedGen C1852093, MONDO:0007452, OMIM 125850. Disease mechanism: loss of function.
Type 2 diabetes mellitus. Also called: Type II diabetes mellitus. Identifiers: MedGen C0011860, MeSH D003924, MONDO:0005148, OMIM 125853, HP:0005978.
Fanconi renotubular syndrome 4 with maturity-onset diabetes of the young (FRTS4). Also called: FRTS4 WITH MODY. Identifiers: Orphanet 93111, MedGen C4014962, MONDO:0014458, OMIM 616026.
Monogenic diabetes. Identifiers: Orphanet 183625, MedGen C3888631, MONDO:0015967.

Allele frequency attached by ClinVar (database versions not stated): ExAC 0.00001; TOPMed 0.00002.
gnomAD v4.1: 7 of 1,613,820 alleles (0.00043%); highest among the groups gnomAD compares: East Asian, 0.0022%; no homozygotes.

Submissions (5):

ClinGen Monogenic Diabetes Variant Curation Expert Panel
Classification: Pathogenic for Monogenic diabetes. Last evaluated: 2026-06-24. Review status: reviewed by expert panel. Criteria: ClinGen Diabetes ACMG Specifications HNF4A V4.0.0. Collection method: curation. Allele origin: germline. Inheritance: Autosomal dominant inheritance.
Comment: The c.124G>A variant in the hepatocyte nuclear factor 4-alpha gene, HNF4A, causes an amino acid change of glycine to arginine at codon 42 (p.(Gly42Arg)) of NM_175914.5. This variant is located within the DNA binding domain (codons 37-113) of HNF4A, which is defined as critical for the protein's function by the ClinGen MDEP (PM1_Supporting). This variant is also predicted to be deleterious by computational evidence, with a REVEL score of 0.948, which is greater than the MDEP VCEP threshold of 0.70 (PP3). This variant has a gnomAD v4.1.0 Grpmax filtering allele frequency of 0.000001240, which is below the ClinGen MDEP threshold of 0.000003 (PM2_Supporting). This variant was identified in eight unrelated individuals with non-autoimmune and non-absolute/near-absolute insulin-deficient diabetes (PS4; PMID: 26552609, internal lab contributors). Additionally, one of these individuals had a clinical history highly specific for HNF4A-monogenic diabetes (MODY probability calculator result >50%, negative genetic testing for HNF1A, and persistent C-peptide after five years) (PP4_Moderate; internal lab contributors). This variant segregated with diabetes, with three informative meioses in one family with MODY (PP1; PMID: 26552609). In summary, c.124G>A meets the criteria to be classified as pathogenic for monogenic diabetes. ACMG/AMP criteria applied, as specified by the ClinGen MDEP (specification version 4.0.0, approved 10/10/2025): PS4, PP4_Moderate, PP1, PP3, PM1_Supporting, PM2_Supporting.

Institute of Human Genetics, University of Leipzig Medical Center
Classification: Pathogenic for Maturity-onset diabetes of the young type 1. Last evaluated: 2025-09-23. Review status: criteria provided, single submitter. Criteria: ACMG Guidelines, 2015. Collection method: clinical testing. Allele origin: unknown. Inheritance: Autosomal dominant inheritance. Affected: yes. Not counted in ClinVar's aggregate classification.
Comment: Criteria applied: PM1,PM2,PM3,PM5,PP1,PP3,PS4

Variantyx, Inc.
Classification: Likely pathogenic for Fanconi renotubular syndrome 4 with maturity-onset diabetes of the young. Last evaluated: 2025-07-02. Review status: criteria provided, single submitter. Criteria: Variantyx Assertion Criteria 2022. Collection method: clinical testing. Allele origin: germline. Inheritance: Autosomal dominant inheritance. Affected: yes. Not counted in ClinVar's aggregate classification.
Comment: This is a nonsynonymous variant in the HNF4A gene (OMIM: 600281). Pathogenic variants in this gene have been associated with autosomal dominant Fanconi renotubular syndrome 4 with maturity-onset diabetes of the young. This variant has been observed to segregate with disease in at least 3 individuals from one family (PMID: 26552609 ) (PP1). It lies within a known hotspot for pathogenic variants or a well-established critical functional domain of the HNF4A protein (PMID: 18829458) (PM1_Supporting), and multiple computational algorithms predict a deleterious effect for this variant (REVEL score: 0.948) (PP3). This variant has a 0.0025% maximum allele frequency in non-founder control populations (PM2). Other reputable laboratories have reported this variant as pathogenic or likely pathogenic, and this classification has been validated by an expert panel in ClinVar (PP5). Based on the current evidence, this variant is classified as likely pathogenic for autosomal dominant Fanconi renotubular syndrome 4 with maturity-onset diabetes of the young.

Fulgent Genetics
Classification: Likely pathogenic for Maturity-onset diabetes of the young type 1; Type 2 diabetes mellitus; Fanconi renotubular syndrome 4 with maturity-onset diabetes of the young. Last evaluated: 2024-05-10. Review status: criteria provided, single submitter. Criteria: ACMG Guidelines, 2015. Collection method: clinical testing. Allele origin: germline. Not counted in ClinVar's aggregate classification.

Juno Genomics, Hangzhou Juno Genomics, Inc
Classification: Likely pathogenic for Type 2 diabetes mellitus; Fanconi renotubular syndrome 4 with maturity-onset diabetes of the young; Maturity-onset diabetes of the young type 1. Review status: criteria provided, single submitter. Criteria: ACMG Guidelines, 2015. Collection method: clinical testing. Allele origin: germline. Not counted in ClinVar's aggregate classification.
Comment: Absent from controls (or at extremely low frequency if recessive) in Genome Aggregation Database.;Multiple lines of computational evidence support a deleterious effect on the gene or gene product.;The prevalence of the variant in affected individuals is significantly increased compared to the prevalence in controls.;Co-segregation with disease in multiple affected family members.

Literature cited by the submitters: PubMed 26552609 (cited by ClinGen Monogenic Diabetes Variant Curation Expert Panel and Variantyx, Inc.); PubMed 18829458 (cited by Variantyx, Inc.).

NM_175914.5(HNF4A):c.124G>A (p.Gly42Arg)

Gene: HNF4A (hepatocyte nuclear factor 4 alpha; plus strand). Cytogenetic location: 20q13.12.
Variant type: single nucleotide variant.
Coding change: c.124G>A on transcript NM_175914.5 (MANE Select); coding-DNA position 124, G replaced by A.
Protein change: p.Gly42Arg; replaces glycine 42 with arginine.
Molecular consequence: missense variant.
Genome position (GRCh38, 1-based): chr20:44,406,132, G>A. VCF-style: chr20-44406132-G-A. GRCh37 (hg19) VCF-style: chr20-43034772-G-A.
Other names: NM_175914.5:c.124G>A; c.169G>A, p.Gly57Arg (NM_001258355.2); c.115G>A, p.Gly39Arg (NM_001287182.2, NM_001287183.2, NM_001287184.2); c.190G>A, p.Gly64Arg (NM_178849.3, NM_178850.3, NM_000457.6); c.124G>A, p.Gly42Arg (NM_001030003.3, NM_001030004.3); short protein forms G39R, G42R, G57R, G64R.
Identifiers: ClinVar variation 3068533 (VCV003068533.7), dbSNP rs769007443, ClinGen allele CA9870171.